The following is an entry in ClinVar:

ClinVar aggregate classification (germline): Uncertain significance. Review status: criteria provided, multiple submitters, no conflicts (2 of 4 stars). 5 submissions from 5 submitters: Uncertain significance (5). Last evaluated 2026-08-29.

Conditions:
Arrhythmogenic right ventricular cardiomyopathy (ARVD). Also called: Cardiomyopathy, ARVC; Arrhythmogenic cardiomyopathy; Arrhythmogenic Right Ventricular Cardiomyopathy (ARVC); Arrhythmogenic right ventricular dysplasia. Identifiers: Orphanet 247, MedGen C0349788, MeSH D019571, MONDO:0016587. Disease mechanism: loss of function. Inheritance: Various modes of inheritance.
Cardiomyopathy (CMYO). Also called: Cardiomyopathies. Identifiers: Orphanet 167848, MedGen C0878544, MONDO:0004994, HP:0001638. Inheritance: Various modes of inheritance.
Arrhythmogenic right ventricular dysplasia 10. Also called: Arrhythmogenic Right Ventricular Dysplasia/Cardiomyopathy10; Arrhythmogenic right ventricular dysplasia/cardiomyopathy, type 10; ARRHYTHMOGENIC RIGHT VENTRICULAR DYSPLASIA, FAMILIAL, 10. Identifiers: MedGen C1857777, MONDO:0012434, OMIM 610193.
Cardiovascular phenotype. Identifiers: MedGen CN230736.

Allele frequency attached by ClinVar (database versions not stated): gnomAD exomes 0.00001 and 0.00003; ExAC 0.00006.
gnomAD v4.1: 10 of 1,607,576 alleles (0.00062%); highest among the groups gnomAD compares: Non-Finnish European, 0.00085%; no homozygotes.

Submissions (5):

Ambry Genetics
Classification: Uncertain significance for Cardiovascular phenotype. Last evaluated: 2026-08-29. Review status: criteria provided, single submitter. Criteria: Ambry Variant Classification Scheme 2023. Collection method: clinical testing. Allele origin: germline.
Comment: The p.S473L variant (also known as c.1418C>T), located in coding exon 10 of the DSG2 gene, results from a C to T substitution at nucleotide position 1418. The serine at codon 473 is replaced by leucine, an amino acid with dissimilar properties. This amino acid position is conserved. In addition, this alteration is predicted to be tolerated by in silico analysis. Based on the available evidence, the clinical significance of this variant remains unclear.

Color Diagnostics, LLC DBA Color Health
Classification: Uncertain significance for Cardiomyopathy. Last evaluated: 2024-03-06. Review status: criteria provided, single submitter. Criteria: ACMG Guidelines, 2015. Collection method: clinical testing. Allele origin: germline.
Comment: This missense variant replaces serine with leucine at codon 473 of the DSG2 protein. Computational prediction tool suggests that this variant may not impact protein structure and function (internally defined REVEL score threshold <=0.5, PMID: 27666373). Splice site prediction tools suggest that this variant may not impact RNA splicing. To our knowledge, functional studies have not been performed for this variant. This variant has not been reported in individuals affected with cardiovascular disorders in the literature. This variant has been identified in 7/247630 chromosomes in the general population by the Genome Aggregation Database (gnomAD). The available evidence is insufficient to determine the role of this variant in disease conclusively. Therefore, this variant is classified as a Variant of Uncertain Significance.

GeneDx
Classification: Uncertain significance. Last evaluated: 2023-05-17. Review status: criteria provided, single submitter. Criteria: GeneDx Variant Classification Process June 2021. Collection method: clinical testing. Allele origin: germline. Affected: yes.
Comment: Has not been previously published as pathogenic or benign to our knowledge; In silico analysis supports that this missense variant does not alter protein structure/function

Labcorp Genetics (formerly Invitae), Labcorp
Classification: Uncertain significance for Arrhythmogenic right ventricular dysplasia 10. Last evaluated: 2023-03-28. Review status: criteria provided, single submitter. Criteria: Invitae Variant Classification Sherloc (09022015). Collection method: clinical testing. Allele origin: germline.
Comment: In summary, the available evidence is currently insufficient to determine the role of this variant in disease. Therefore, it has been classified as a Variant of Uncertain Significance. Advanced modeling of protein sequence and biophysical properties (such as structural, functional, and spatial information, amino acid conservation, physicochemical variation, residue mobility, and thermodynamic stability) performed at Invitae indicates that this missense variant is not expected to disrupt DSG2 protein function. ClinVar contains an entry for this variant (Variation ID: 651144). This variant has not been reported in the literature in individuals affected with DSG2-related conditions. This variant is present in population databases (rs774607590, gnomAD 0.006%). This sequence change replaces serine, which is neutral and polar, with leucine, which is neutral and non-polar, at codon 473 of the DSG2 protein (p.Ser473Leu).

All of Us Research Program, National Institutes of Health
Classification: Uncertain significance for Arrhythmogenic right ventricular cardiomyopathy. Last evaluated: 2023-03-04. Review status: criteria provided, single submitter. Criteria: ACMG Guidelines, 2015. Collection method: clinical testing. Allele origin: germline. Inheritance: Autosomal dominant inheritance. Observed: 1 variant allele, 1 heterozygote.
Comment: This missense variant replaces serine with leucine at codon 473 of the DSG2 protein. Computational prediction tool suggests that this variant may not impact protein structure and function (internally defined REVEL score threshold <=0.5, PMID: 27666373). Splice site prediction tools suggest that this variant may not impact RNA splicing. To our knowledge, functional studies have not been performed for this variant. This variant has not been reported in individuals affected with cardiovascular disorders in the literature. This variant has been identified in 7/247630 chromosomes in the general population by the Genome Aggregation Database (gnomAD). The available evidence is insufficient to determine the role of this variant in disease conclusively. Therefore, this variant is classified as a Variant of Uncertain Significance.

This study involves interpretation of variants in research participants for the purpose of population health screening. Participant phenotype was not available at the time of variant classification. Additional details can be found in publication PMID: 35346344, PMCID: PMC8962531

NM_001943.5(DSG2):c.1418C>T (p.Ser473Leu)

Gene: DSG2 (desmoglein 2; plus strand). Cytogenetic location: 18q12.1.
Variant type: single nucleotide variant.
Coding change: c.1418C>T on transcript NM_001943.5 (MANE Select); coding-DNA position 1418, C replaced by T.
Protein change: p.Ser473Leu; replaces serine 473 with leucine.
Molecular consequence: missense variant.
Genome position (GRCh38, 1-based): chr18:31,535,407, C>T. VCF-style: chr18-31535407-C-T. GRCh37 (hg19) VCF-style: chr18-29115370-C-T.
Other names: c.1418C>T (LRG_397t1); short protein forms S473L.
Identifiers: ClinVar variation 651144 (VCV000651144.15), dbSNP rs774607590, ClinGen allele CA042301.